The following is an entry in ClinVar:

ClinVar aggregate classification (germline): Benign (0 of 4 stars; one submission).

Conditions:
XIRP1-related disorder. Also called: XIRP1-related condition.

Allele frequency attached by ClinVar (database versions not stated): ESP Exome Variant Server 0.00497; gnomAD 0.00520; TOPMed 0.00578; 1000 Genomes Project 30x 0.00609; 1000 Genomes Project 0.00699.
gnomAD v4.1: 1,519 of 1,522,168 alleles (0.1%); highest among the groups gnomAD compares: African/African-American, 1.8%; 11 homozygotes.

Submission:

PreventionGenetics, part of Exact Sciences
Classification: Benign for XIRP1-related condition. Last evaluated: 2019-06-21. Review status: no assertion criteria provided. Collection method: clinical testing. Allele origin: germline.
Comment: This variant is classified as benign based on ACMG/AMP sequence variant interpretation guidelines (Richards et al. 2015 PMID: 25741868, with internal and published modifications).

NM_194293.4(XIRP1):c.4455C>A (p.Ala1485=)

Gene: XIRP1 (xin actin binding repeat containing 1; minus strand). Cytogenetic location: 3p22.2.
Variant type: single nucleotide variant.
Coding change: c.4455C>A on transcript NM_194293.4 (MANE Select); coding-DNA position 4455, C replaced by A.
Protein change: p.Ala1485=; no amino-acid change (alanine 1485 retained).
Molecular consequence: synonymous variant. On other transcripts: 3 prime UTR variant (1).
Genome position (GRCh38, 1-based): chr3:39,184,991, G>T on the plus strand (C>A on the coding strand, the complement: XIRP1 is on the minus strand). VCF-style: chr3-39184991-G-T. GRCh37 (hg19) VCF-style: chr3-39226482-G-T.
Other names: c.*662C>A (NM_001198621.4); c.504C>A, p.Ala168= (NM_001351377.2).
Identifiers: ClinVar variation 3034000 (VCV003034000.2), dbSNP rs149700763, ClinGen allele CA2325849.